The following is an entry in ClinVar:

ClinVar aggregate classification (germline): Uncertain significance (1 of 4 stars; one submission).

Conditions:
Inborn genetic diseases. Identifiers: MedGen C0950123, MeSH D030342.

Submission:

Ambry Genetics
Classification: Uncertain significance for Inborn genetic diseases. Last evaluated: 2025-08-12. Review status: criteria provided, single submitter. Criteria: Ambry Variant Classification Scheme 2023. Collection method: clinical testing. Allele origin: germline.
Comment: The p.H1210Y variant (also known as c.3628C>T), located in coding exon 33 of the RTEL1 gene, results from a C to T substitution at nucleotide position 3628. The histidine at codon 1210 is replaced by tyrosine, an amino acid with similar properties. This amino acid position is conserved. In addition, this alteration is predicted to be tolerated by in silico analysis. Based on the available evidence, the clinical significance of this variant remains unclear.

NM_001283009.2(RTEL1):c.3628C>T (p.His1210Tyr)

Genes: RTEL1 (regulator of telomere elongation helicase 1; plus strand), RTEL1-TNFRSF6B (RTEL1-TNFRSF6B readthrough (NMD candidate); plus strand). Cytogenetic location: 20q13.33.
Variant type: single nucleotide variant.
Coding change: c.3628C>T on transcript NM_001283009.2 (MANE Select); coding-DNA position 3628, C replaced by T.
Protein change: p.His1210Tyr; replaces histidine 1210 with tyrosine.
Molecular consequence: missense variant. On other transcripts: non-coding transcript variant (1).
Genome position (GRCh38, 1-based): chr20:63,695,456, C>T. VCF-style: chr20-63695456-C-T. GRCh37 (hg19) VCF-style: chr20-62326809-C-T.
Other names: c.2959C>T, p.His987Tyr (NM_001283010.1); c.3628C>T, p.His1210Tyr (NM_016434.4); c.3700C>T, p.His1234Tyr (NM_032957.5); short protein forms H1210Y, H1234Y, H987Y.
Identifiers: ClinVar variation 4157659 (VCV004157659.1).